The following is an entry in ClinVar:

NM_000179.3(MSH6):c.649G>A (p.Asp217Asn)

Gene: MSH6 (mutS homolog 6; plus strand). Cytogenetic location: 2p16.3.
Variant type: single nucleotide variant.
Coding change: c.649G>A on transcript NM_000179.3 (MANE Select); coding-DNA position 649, G replaced by A.
Protein change: p.Asp217Asn; replaces aspartic acid 217 with asparagine.
Molecular consequence: missense variant. On other transcripts: 5 prime UTR variant (2).
Genome position (GRCh38, 1-based): chr2:47,798,632, G>A. VCF-style: chr2-47798632-G-A. GRCh37 (hg19) VCF-style: chr2-48025771-G-A.
Other names: c.259G>A, p.Asp87Asn (NM_001281492.2); c.-258G>A (NM_001281493.2, NM_001281494.2, NM_001406811.1 and 6 more transcripts); c.745G>A, p.Asp249Asn (NM_001406795.1, NM_001406802.1); c.649G>A, p.Asp217Asn (NM_001406796.1, NM_001406798.1, NM_001406800.1 and 4 more transcripts); c.352G>A, p.Asp118Asn (NM_001406797.1, NM_001406801.1, NM_001406805.1 and 10 more transcripts); c.124G>A, p.Asp42Asn (NM_001406799.1, NM_001406806.1, NM_001406807.1); c.571G>A, p.Asp191Asn (NM_001406804.1); c.655G>A, p.Asp219Asn (NM_001406813.1); and 1 more; short protein forms D42N, D118N, D217N, D249N, D161N, D191N, D219N, D87N.
Identifiers: ClinVar variation 1753884 (VCV001753884.2), dbSNP rs950036621, ClinGen allele CA346739291.

ClinVar aggregate classification (germline): Uncertain significance (1 of 4 stars; one submission).

Conditions:
Hereditary cancer-predisposing syndrome. Also called: Neoplastic Syndromes, Hereditary; Tumor predisposition; Hereditary Cancer Syndrome; Hereditary neoplastic syndrome. Identifiers: Orphanet 140162, MedGen C0027672, MeSH D009386, MONDO:0015356.

Submission:

Ambry Genetics
Classification: Uncertain significance for Hereditary cancer-predisposing syndrome. Last evaluated: 2022-08-23. Review status: criteria provided, single submitter. Criteria: Ambry Variant Classification Scheme 2023. Collection method: clinical testing. Allele origin: germline.
Comment: The p.D217N variant (also known as c.649G>A), located in coding exon 4 of the MSH6 gene, results from a G to A substitution at nucleotide position 649. The aspartic acid at codon 217 is replaced by asparagine, an amino acid with highly similar properties. This amino acid position is not well conserved in available vertebrate species. In addition, this alteration is predicted to be tolerated by in silico analysis. Since supporting evidence is limited at this time, the clinical significance of this alteration remains unclear.